The following is an entry in ClinVar:

NM_000202.8(IDS):c.410_411del (p.Phe137fs)

Gene: IDS (iduronate 2-sulfatase; minus strand). Cytogenetic location: Xq28.
Variant type: Deletion.
Coding change: c.410_411del on transcript NM_000202.8 (MANE Select); coding-DNA positions 410 to 411, 2 bases deleted (TT; older notation c.410_411delTT).
Protein change: p.Phe137fs; shifts the reading frame from phenylalanine 137.
Molecular consequence: frameshift variant. On other transcripts: non-coding transcript variant (1).
Genome position (GRCh38, 1-based): chrX:149,503,319-149,503,320, AA deleted on the plus strand (TT on the coding strand, the reverse complement: IDS is on the minus strand); deleting any 2 consecutive bases within chrX:149,503,319-149,503,321 gives the same sequence; the c. name uses the placement nearest the transcript's 3' end. VCF-style (leftmost placement, unchanged base first): chrX-149503318-GAA-G. GRCh37 (hg19) VCF-style: chrX-148584848-GAA-G.
Other names: c.140_141del, p.Phe47fs (NM_001166550.4); c.410_411del, p.Phe137fs (NM_006123.5); short protein forms F137fs, F47fs.
Identifiers: ClinVar variation 3255704 (VCV003255704.2).
Genomic context (GRCh38, chrX:149,503,318, plus strand): 5'-TGGATTCAGACACCACAAACCAAGAGAACCCAGACTCTGGACATGGAGCAGTACCAGGGT[GAA>G]AGACTTTTCCCACCGACATGGTCACATAGCCATTCTCCTTGAAGTACTGGGGGATGGTGG-3'

ClinVar aggregate classification (germline): Pathogenic (1 of 4 stars; one submission).

Conditions:
Mucopolysaccharidosis, MPS-II (MPS2). Also called: Hunter Syndrome; IDURONATE 2-SULFATASE DEFICIENCY; Mucopolysaccharidosis Type II; Mucopolysaccharidosis type 2; Attenuated MPS (subtype; formerly known as mild MPS II); Severe MPS II. Identifiers: Orphanet 580, Orphanet 79388, MedGen C0026705, MONDO:0010674, OMIM 309900.

Submission:

Laboratory of Diagnosis and Therapy of Lysosomal Disorders, University of Padova
Classification: Pathogenic for Mucopolysaccharidosis, MPS-II. Last evaluated: 2024-06-07. Review status: criteria provided, single submitter. Criteria: ACMG Guidelines, 2015. Collection method: literature only. Allele origin: germline. Affected: yes. Observed: 2 variant alleles.
Comment: Null variant (PVS1_VeryStrong), In vitro or in vivo functional studies supportive of a damaging effect (PS3_Moderate), Absent from controls (or at low frequency) in gnomAD database (PM2_Moderate), Patient’s phenotype or family history highly specific for the disease (PP4_Moderate)

Classification method: ACMG Guidelines [PMID:25741868] with modifications

Literature cited by the submitters: PubMed 11462244; PubMed 33676511.